The following is an entry in ClinVar:

ClinVar aggregate classification (germline): Likely benign. Review status: criteria provided, single submitter (1 of 4 stars). 2 submissions from 2 submitters: Likely benign (1). 1 of the submissions does not count toward it. Last evaluated 2025-07-06.

Conditions:
SCP2-related disorder. Also called: SCP2-related condition.

Allele frequency attached by ClinVar (database versions not stated): TOPMed 0.00001; gnomAD exomes 0.00002; ESP Exome Variant Server 0.00008.
gnomAD v4.1: 28 of 1,613,874 alleles (0.0017%); highest among the groups gnomAD compares: Middle Eastern, 0.017%; no homozygotes.

Submissions (2):

Labcorp Genetics (formerly Invitae), Labcorp
Classification: Likely benign. Last evaluated: 2025-07-06. Review status: criteria provided, single submitter. Criteria: Invitae Variant Classification Sherloc (09022015). Collection method: clinical testing. Allele origin: germline.

PreventionGenetics, part of Exact Sciences
Classification: Likely benign for SCP2-related condition. Last evaluated: 2024-07-31. Review status: no assertion criteria provided. Collection method: clinical testing. Allele origin: germline. Not counted in ClinVar's aggregate classification.
Comment: This variant is classified as likely benign based on ACMG/AMP sequence variant interpretation guidelines (Richards et al. 2015 PMID: 25741868, with internal and published modifications).

NM_002979.5(SCP2):c.798G>A (p.Ser266=)

Gene: SCP2 (sterol carrier protein 2; plus strand). Cytogenetic location: 1p32.3.
Variant type: single nucleotide variant.
Coding change: c.798G>A on transcript NM_002979.5 (MANE Select); coding-DNA position 798, G replaced by A.
Protein change: p.Ser266=; no amino-acid change (serine 266 retained).
Molecular consequence: synonymous variant.
Genome position (GRCh38, 1-based): chr1:52,978,340, G>A. VCF-style: chr1-52978340-G-A. GRCh37 (hg19) VCF-style: chr1-53444012-G-A.
Other names: c.666G>A, p.Ser222= (NM_001007098.3, NM_001193600.2); c.726G>A, p.Ser242= (NM_001193599.2); c.555G>A, p.Ser185= (NM_001193617.2); c.798G>A, p.Ser266= (NM_001330587.2); c.798G>A (NM_002979.4).
Identifiers: ClinVar variation 1912995 (VCV001912995.6), dbSNP rs148510961, ClinGen allele CA22579898.